The following is an entry in ClinVar:

NM_133510.4(RAD51B):c.662A>T (p.Asp221Val)

Gene: RAD51B (RAD51 paralog B; plus strand). Cytogenetic location: 14q24.1.
Variant type: single nucleotide variant.
Coding change: c.662A>T on transcript NM_133510.4 (MANE Select); coding-DNA position 662, A replaced by T.
Protein change: p.Asp221Val; replaces aspartic acid 221 with valine.
Molecular consequence: missense variant.
Genome position (GRCh38, 1-based): chr14:67,887,110, A>T. VCF-style: chr14-67887110-A-T. GRCh37 (hg19) VCF-style: chr14-68353827-A-T.
Other names: c.662A>T, p.Asp221Val (NM_001321809.2, NM_001321810.2, NM_001321812.1 and 6 more transcripts); c.548A>T, p.Asp183Val (NM_001321815.1); c.305A>T, p.Asp102Val (NM_001321817.2); short protein forms D102V, D183V, D221V.
Identifiers: ClinVar variation 3786430 (VCV003786430.1).

ClinVar aggregate classification (germline): Uncertain significance (1 of 4 stars; one submission).

gnomAD v4.1: 1 of 1,603,108 alleles (0.000062%); highest among the groups gnomAD compares: East Asian, 0.0022%; no homozygotes.

Submission:

Ambry Genetics
Classification: Uncertain significance. Last evaluated: 2025-01-27. Review status: criteria provided, single submitter. Criteria: Ambry Variant Classification Scheme 2023. Collection method: clinical testing. Allele origin: germline.
Comment: The p.D221V variant (also known as c.662A>T), located in coding exon 6 of the RAD51B gene, results from an A to T substitution at nucleotide position 662. The aspartic acid at codon 221 is replaced by valine, an amino acid with highly dissimilar properties. This amino acid position is conserved. In addition, the in silico prediction for this alteration is inconclusive. Based on the available evidence, the clinical significance of this variant remains unclear.